The following is an entry in ClinVar:

ClinVar aggregate classification (germline): Uncertain significance (1 of 4 stars; one submission).

Submission:

Labcorp Genetics (formerly Invitae), Labcorp
Classification: Uncertain significance. Last evaluated: 2022-02-28. Review status: criteria provided, single submitter. Criteria: Invitae Variant Classification Sherloc (09022015). Collection method: clinical testing. Allele origin: germline.
Comment: This variant is not present in population databases (gnomAD no frequency). In summary, the available evidence is currently insufficient to determine the role of this variant in disease. Therefore, it has been classified as a Variant of Uncertain Significance. Algorithms developed to predict the effect of missense changes on protein structure and function output the following: SIFT: "Tolerated"; PolyPhen-2: "Benign"; Align-GVGD: "Class C0". The isoleucine amino acid residue is found in multiple mammalian species, which suggests that this missense change does not adversely affect protein function. This variant has not been reported in the literature in individuals affected with CHD8-related conditions. This sequence change replaces valine, which is neutral and non-polar, with isoleucine, which is neutral and non-polar, at codon 109 of the CHD8 protein (p.Val109Ile).

NM_001170629.2(CHD8):c.325G>A (p.Val109Ile)

Gene: CHD8 (chromodomain helicase DNA binding protein 8; minus strand). Cytogenetic location: 14q11.2.
Variant type: single nucleotide variant.
Coding change: c.325G>A on transcript NM_001170629.2 (MANE Select); coding-DNA position 325, G replaced by A.
Protein change: p.Val109Ile; replaces valine 109 with isoleucine.
Molecular consequence: missense variant. On other transcripts: intron variant (1).
Genome position (GRCh38, 1-based): chr14:21,431,319, C>T on the plus strand (G>A on the coding strand, the complement: CHD8 is on the minus strand). VCF-style: chr14-21431319-C-T. GRCh37 (hg19) VCF-style: chr14-21899478-C-T.
Other names: c.6+492G>A (NM_020920.4); short protein forms V109I.
Identifiers: ClinVar variation 2104542 (VCV002104542.4), dbSNP rs2502015972, ClinGen allele CA388889475.
Genomic context (GRCh38, chr14:21,431,319, plus strand): 5'-GGATCTCCTGGCTCTTGGAGACTTGCAAAAGTCCTGATGTTGGCGTCGATGTCTGTAAGA[C>T]AGGTTGGGCTGGCTGCTCCTGGCTGGCAGGCTGAGTGGTATAATCATGCAAGGTTATGGA-3'
Protein context (NP_001164100.1, residues 99-119): PASQEQPAQP[Val109Ile]LQTSTPTSGL